The following is an entry in ClinVar:

ClinVar aggregate classification (germline): Uncertain significance. Review status: criteria provided, multiple submitters, no conflicts (2 of 4 stars). 2 submissions from 2 submitters: Uncertain significance (2). Last evaluated 2026-05-27.

Conditions:
Familial cancer of breast. Also called: Hereditary breast cancer; BREAST CANCER, FAMILIAL; hereditary breast carcinoma. Identifiers: Orphanet 227535, MedGen C0346153, MONDO:0016419, OMIM 114480. Disease mechanism: loss of function.
Fanconi anemia complementation group J. Also called: BRIP1-Related Fanconi Anemia. Identifiers: Orphanet 84, MedGen C1836860, MONDO:0012187, OMIM 609054.
Hereditary cancer-predisposing syndrome. Also called: Tumor predisposition; Neoplastic Syndromes, Hereditary; Hereditary neoplastic syndrome; Hereditary Cancer Syndrome. Identifiers: Orphanet 140162, MedGen C0027672, MeSH D009386, MONDO:0015356.

Submissions (2):

Ambry Genetics
Classification: Uncertain significance for Hereditary cancer-predisposing syndrome. Last evaluated: 2026-05-27. Review status: criteria provided, single submitter. Criteria: Ambry Variant Classification Scheme 2023. Collection method: clinical testing. Allele origin: germline.
Comment: The p.P211S variant (also known as c.631C>T), located in coding exon 6 of the BRIP1 gene, results from a C to T substitution at nucleotide position 631. The proline at codon 211 is replaced by serine, an amino acid with similar properties. This amino acid position is conserved. In addition, this alteration is predicted to be tolerated by in silico analysis. Based on the available evidence, the clinical significance of this variant remains unclear.

Labcorp Genetics (formerly Invitae), Labcorp
Classification: Uncertain significance for Familial cancer of breast; Fanconi anemia complementation group J. Last evaluated: 2021-02-02. Review status: criteria provided, single submitter. Criteria: Invitae Variant Classification Sherloc (09022015). Collection method: clinical testing. Allele origin: germline.
Comment: In summary, the available evidence is currently insufficient to determine the role of this variant in disease. Therefore, it has been classified as a Variant of Uncertain Significance. Algorithms developed to predict the effect of missense changes on protein structure and function output the following: SIFT: "Tolerated"; PolyPhen-2: "Benign"; Align-GVGD: "Class C0". The serine amino acid residue is found in multiple mammalian species, suggesting that this missense change does not adversely affect protein function. These predictions have not been confirmed by published functional studies and their clinical significance is uncertain. This variant has not been reported in the literature in individuals with BRIP1-related conditions. This variant is not present in population databases (ExAC no frequency). This sequence change replaces proline with serine at codon 211 of the BRIP1 protein (p.Pro211Ser). The proline residue is weakly conserved and there is a moderate physicochemical difference between proline and serine.

NM_032043.3(BRIP1):c.631C>T (p.Pro211Ser)

Gene: BRIP1 (BRCA1 interacting DNA helicase 1; minus strand). Cytogenetic location: 17q23.2.
Variant type: single nucleotide variant.
Coding change: c.631C>T on transcript NM_032043.3 (MANE Select); coding-DNA position 631, C replaced by T.
Protein change: p.Pro211Ser; replaces proline 211 with serine.
Molecular consequence: missense variant.
Genome position (GRCh38, 1-based): chr17:61,808,754, G>A on the plus strand (C>T on the coding strand, the complement: BRIP1 is on the minus strand). VCF-style: chr17-61808754-G-A. GRCh37 (hg19) VCF-style: chr17-59886115-G-A.
Other names: short protein forms P211S.
Identifiers: ClinVar variation 853222 (VCV000853222.9), dbSNP rs2078117905, ClinGen allele CA400485243.